The following is an entry in ClinVar:

ClinVar aggregate classification (germline): Uncertain significance (1 of 4 stars; one submission).

gnomAD v4.1: 12 of 1,613,842 alleles (0.00074%); highest among the groups gnomAD compares: South Asian, 0.012%; no homozygotes.

Submission:

GeneDx
Classification: Uncertain significance. Last evaluated: 2024-11-05. Review status: criteria provided, single submitter. Criteria: GeneDx Variant Classification Process June 2021. Collection method: clinical testing. Allele origin: germline. Affected: yes.
Comment: In silico analysis supports that this missense variant has a deleterious effect on protein structure/function; Has not been previously published as pathogenic or benign to our knowledge

NM_001378328.1(CELSR1):c.3799C>T (p.Pro1267Ser)

Gene: CELSR1 (cadherin EGF LAG seven-pass G-type receptor 1; minus strand). Cytogenetic location: 22q13.31.
Variant type: single nucleotide variant.
Coding change: c.3799C>T on transcript NM_001378328.1 (MANE Select); coding-DNA position 3799, C replaced by T.
Protein change: p.Pro1267Ser; replaces proline 1267 with serine.
Molecular consequence: missense variant.
Genome position (GRCh38, 1-based): chr22:46,464,091, G>A on the plus strand (C>T on the coding strand, the complement: CELSR1 is on the minus strand). VCF-style: chr22-46464091-G-A. GRCh37 (hg19) VCF-style: chr22-46859988-G-A.
Other names: c.3799C>T, p.Pro1267Ser (NM_014246.4); short protein forms P1267S.
Identifiers: ClinVar variation 3897068 (VCV003897068.1).